The following is an entry in ClinVar:

ClinVar aggregate classification (germline): Uncertain significance (1 of 4 stars; one submission).

Conditions:
Cardiovascular phenotype. Identifiers: MedGen CN230736.

Submission:

Ambry Genetics
Classification: Uncertain significance for Cardiovascular phenotype. Last evaluated: 2026-01-25. Review status: criteria provided, single submitter. Criteria: Ambry Variant Classification Scheme 2023. Collection method: clinical testing. Allele origin: germline.
Comment: The p.R163S variant (also known as c.489G>C), located in coding exon 1 of the ALPK3 gene, results from a G to C substitution at nucleotide position 489. The arginine at codon 163 is replaced by serine, an amino acid with dissimilar properties. This amino acid position is conserved. In addition, this alteration is predicted to be tolerated by in silico analysis. Based on the available evidence, the clinical significance of this variant remains unclear.

NM_020778.4:c.489G>C

Gene: ALPK3 (alpha kinase 3; plus strand).
Variant type: single nucleotide variant.
Identifiers: ClinVar variation 4844745 (VCV004844745.1).